The following is an entry in ClinVar:

NM_003491.4(NAA10):c.85A>G (p.Lys29Glu)

Gene: NAA10 (N-alpha-acetyltransferase 10, NatA catalytic subunit; minus strand). Cytogenetic location: Xq28.
Variant type: single nucleotide variant.
Coding change: c.85A>G on transcript NM_003491.4 (MANE Select); coding-DNA position 85, A replaced by G.
Protein change: p.Lys29Glu; replaces lysine 29 with glutamic acid.
Molecular consequence: missense variant.
Genome position (GRCh38, 1-based): chrX:153,934,412, T>C on the plus strand (A>G on the coding strand, the complement: NAA10 is on the minus strand). VCF-style: chrX-153934412-T-C. GRCh37 (hg19) VCF-style: chrX-153199865-T-C.
Other names: c.85A>G, p.Lys29Glu (NM_001256119.2, NM_001256120.2); short protein forms K29E.
Identifiers: ClinVar variation 3729485 (VCV003729485.2).

ClinVar aggregate classification (germline): Uncertain significance (1 of 4 stars; one submission).

Submission:

Labcorp Genetics (formerly Invitae), Labcorp
Classification: Uncertain significance. Last evaluated: 2025-01-28. Review status: criteria provided, single submitter. Criteria: Invitae Variant Classification Sherloc (09022015). Collection method: clinical testing. Allele origin: germline.
Comment: This sequence change replaces lysine, which is basic and polar, with glutamic acid, which is acidic and polar, at codon 29 of the NAA10 protein (p.Lys29Glu). This variant is not present in population databases (gnomAD no frequency). This variant has not been reported in the literature in individuals affected with NAA10-related conditions. An algorithm developed to predict the effect of missense changes on protein structure and function (PolyPhen-2) suggests that this variant is likely to be tolerated. In summary, the available evidence is currently insufficient to determine the role of this variant in disease. Therefore, it has been classified as a Variant of Uncertain Significance.